The following is an entry in ClinVar:

NM_000540.3(RYR1):c.10019-12G>A

Gene: RYR1 (ryanodine receptor 1; plus strand). Cytogenetic location: 19q13.2.
Variant type: single nucleotide variant.
Coding change: c.10019-12G>A on transcript NM_000540.3 (MANE Select); 12 bases into the intron before coding-DNA position 10019, G replaced by A.
Molecular consequence: intron variant.
Genome position (GRCh38, 1-based): chr19:38,519,202, G>A. VCF-style: chr19-38519202-G-A. GRCh37 (hg19) VCF-style: chr19-39009842-G-A.
Other names: c.10019-12G>A (NM_001042723.2).
Identifiers: ClinVar variation 1254932 (VCV001254932.13), dbSNP rs760157493, ClinGen allele CA052121.

ClinVar aggregate classification (germline): Likely benign. Review status: criteria provided, multiple submitters, no conflicts (2 of 4 stars). 5 submissions from 5 submitters: Likely benign (5). Last evaluated 2026-01-06.

Conditions:
RYR1-related disorder. Also called: RYR1-related condition; RYR1-related disorders. Identifiers: MedGen CN239331.
Malignant hyperthermia, susceptibility to, 1 (MHS1). Also called: Anesthesia related hyperthermia; Malignant hyperpyrexia; Fulminating hyperpyrexia; Pharmacogenic myopathy; RYR1-Related Malignant Hyperthermia Susceptibility; Malignant hyperthermia suceptibility 1. Identifiers: Orphanet 423, MedGen C2930980, MONDO:0007783, OMIM 145600.

Allele frequency attached by ClinVar (database versions not stated): gnomAD 0.00001; gnomAD exomes 0.00002 and 0.00009; ExAC 0.00007; TOPMed 0.00016.
gnomAD v4.1: 34 of 1,613,912 alleles (0.0021%); highest among the groups gnomAD compares: Admixed American, 0.035%; no homozygotes.

Submissions (5):

Labcorp Genetics (formerly Invitae), Labcorp
Classification: Likely benign for RYR1-related disorder. Last evaluated: 2026-01-06. Review status: criteria provided, single submitter. Criteria: Invitae Variant Classification Sherloc (09022015). Collection method: clinical testing. Allele origin: germline.

Blueprint Genetics
Classification: Likely benign. Last evaluated: 2024-10-15. Review status: criteria provided, single submitter. Criteria: ACMG Guidelines, 2015. Collection method: clinical testing. Allele origin: germline.

All of Us Research Program, National Institutes of Health
Classification: Likely benign for Malignant hyperthermia, susceptibility to, 1. Last evaluated: 2024-02-05. Review status: criteria provided, single submitter. Criteria: ACMG Guidelines, 2015. Collection method: clinical testing. Allele origin: germline. Inheritance: Autosomal dominant inheritance. Observed: 10 variant alleles, 10 heterozygotes.
Comment: This study involves interpretation of variants in research participants for the purpose of population health screening. Participant phenotype was not available at the time of variant classification. Additional details can be found in publication PMID: 35346344, PMCID: PMC8962531

Color Diagnostics, LLC DBA Color Health
Classification: Likely benign for Malignant hyperthermia, susceptibility to, 1. Last evaluated: 2022-12-07. Review status: criteria provided, single submitter. Criteria: ACMG Guidelines, 2015. Collection method: clinical testing. Allele origin: germline.

GeneDx
Classification: Likely benign. Last evaluated: 2019-08-22. Review status: criteria provided, single submitter. Criteria: GeneDx Variant Classification Process June 2021. Collection method: clinical testing. Allele origin: germline. Affected: yes.